The following is an entry in ClinVar:

ClinVar aggregate classification (germline): Conflicting classifications of pathogenicity. Review status: criteria provided, conflicting classifications (1 of 4 stars). 4 submissions from 4 submitters: Uncertain significance (2); Likely benign (1). 1 of the submissions does not count toward it. Last evaluated 2026-01-19.

Conditions:
Mitochondrial DNA depletion syndrome 1. Also called: Mitochondrial neurogastrointestinal encephalomyopathy syndrome; Mitochondrial Neurogastrointestinal Encephalopathy Disease; MITOCHONDRIAL NEUROGASTROINTESTINAL ENCEPHALOPATHY SYNDROME, TYMP-RELATED; MNGIE, TYMP-RELATED; POLIP SYNDROME; POLYNEUROPATHY, OPHTHALMOPLEGIA, LEUKOENCEPHALOPATHY, AND INTESTINAL PSEUDOOBSTRUCTION. Identifiers: Orphanet 298, MedGen C4551995, MONDO:0011283, OMIM 603041.
TYMP-related disorder. Also called: TYMP-related condition.

Allele frequency attached by ClinVar (database versions not stated): gnomAD exomes 0.00030 and 0.00013; ExAC 0.00033; gnomAD 0.00033 and 0.00036; TOPMed 0.00001; 1000 Genomes Project 30x 0.00016.

Submissions (4):

Labcorp Genetics (formerly Invitae), Labcorp
Classification: Likely benign. Last evaluated: 2026-01-19. Review status: criteria provided, single submitter. Criteria: Invitae Variant Classification Sherloc (09022015). Collection method: clinical testing. Allele origin: germline.

Blueprint Genetics
Classification: Uncertain significance. Last evaluated: 2024-11-19. Review status: criteria provided, single submitter. Criteria: ACMG Guidelines, 2015. Collection method: clinical testing. Allele origin: germline.

Illumina Laboratory Services, Illumina
Classification: Uncertain significance for Mitochondrial DNA depletion syndrome 1. Last evaluated: 2018-01-13. Review status: criteria provided, single submitter. Criteria: ICSL Variant Classification Criteria 13 December 2019. Collection method: clinical testing. Allele origin: germline.

PreventionGenetics, part of Exact Sciences
Classification: Likely benign for TYMP-related condition. Last evaluated: 2020-05-18. Review status: no assertion criteria provided. Collection method: clinical testing. Allele origin: germline. Not counted in ClinVar's aggregate classification.
Comment: This variant is classified as likely benign based on ACMG/AMP sequence variant interpretation guidelines (Richards et al. 2015 PMID: 25741868, with internal and published modifications).

NM_001953.5(TYMP):c.1028T>G (p.Phe343Cys)

Genes: SCO2 (synthesis of cytochrome C oxidase 2; minus strand), TYMP (thymidine phosphorylase; minus strand), LOC130067862 (ATAC-STARR-seq lymphoblastoid silent region 13986; plus strand). Cytogenetic location: 22q13.33.
Variant type: single nucleotide variant.
Coding change: c.1028T>G on transcript NM_001953.5 (MANE Select); coding-DNA position 1028, T replaced by G.
Protein change: p.Phe343Cys; replaces phenylalanine 343 with cysteine.
Molecular consequence: missense variant. On other transcripts: 5 prime UTR variant (1).
Genome position (GRCh38, 1-based): chr22:50,526,377, A>C on the plus strand (T>G on the coding strand, the complement: TYMP is on the minus strand). VCF-style: chr22-50526377-A-C. GRCh37 (hg19) VCF-style: chr22-50964806-A-C.
Other names: c.1028T>G, p.Phe343Cys (NM_001113755.3, NM_001113756.3, NM_001257988.1 and 1 more transcripts); c.-145T>G (NM_001169109.2); short protein forms F343C.
Identifiers: ClinVar variation 342141 (VCV000342141.18), dbSNP rs762630777, ClinGen allele CA10321499.
Genomic context (GRCh38, chr22:50,526,377, plus strand): 5'-CCCGAGCACAGGGCTCGGGCCAGACCGGGATCCACGCCCTGCGCCGCCAGCATCCGCTCG[A>C]AGCGGCCAAGGGCCGAGCCGTCGTCCAGCGCCGCGGCCACCCGGGCAGCGCCCTGGGCCT-3'
Protein context (NP_001944.1, residues 333-353): ALDDGSALGR[Phe343Cys]ERMLAAQGVD